The following is an entry in ClinVar:

ClinVar aggregate classification (germline): Uncertain significance (1 of 4 stars; one submission).

Conditions:
Nephronophthisis 18 (NPHP18). Identifiers: Orphanet 655, MedGen C3890591, MONDO:0014374, OMIM 615862.

Allele frequency attached by ClinVar (database versions not stated): gnomAD exomes below 0.00001; TOPMed 0.00002.
gnomAD v4.1: 7 of 1,614,050 alleles (0.00043%); highest among the groups gnomAD compares: Admixed American, 0.0017%; no homozygotes.

Submission:

Labcorp Genetics (formerly Invitae), Labcorp
Classification: Uncertain significance for Nephronophthisis 18. Last evaluated: 2022-02-04. Review status: criteria provided, single submitter. Criteria: Invitae Variant Classification Sherloc (09022015). Collection method: clinical testing. Allele origin: germline.
Comment: This sequence change replaces arginine, which is basic and polar, with glutamine, which is neutral and polar, at codon 215 of the CEP83 protein (p.Arg215Gln). This variant is present in population databases (no rsID available, gnomAD 0.003%). This variant has not been reported in the literature in individuals affected with CEP83-related conditions. Algorithms developed to predict the effect of missense changes on protein structure and function output the following: SIFT: "Not Available"; PolyPhen-2: "Benign"; Align-GVGD: "Not Available". The glutamine amino acid residue is found in multiple mammalian species, which suggests that this missense change does not adversely affect protein function. In summary, the available evidence is currently insufficient to determine the role of this variant in disease. Therefore, it has been classified as a Variant of Uncertain Significance.

NM_016122.3(CEP83):c.644G>A (p.Arg215Gln)

Gene: CEP83 (centrosomal protein 83; minus strand). Cytogenetic location: 12q22.
Variant type: single nucleotide variant.
Coding change: c.644G>A on transcript NM_016122.3 (MANE Select); coding-DNA position 644, G replaced by A.
Protein change: p.Arg215Gln; replaces arginine 215 with glutamine.
Molecular consequence: missense variant. On other transcripts: non-coding transcript variant (3).
Genome position (GRCh38, 1-based): chr12:94,378,948, C>T on the plus strand (G>A on the coding strand, the complement: CEP83 is on the minus strand). VCF-style: chr12-94378948-C-T. GRCh37 (hg19) VCF-style: chr12-94772724-C-T.
Other names: c.644G>A, p.Arg215Gln (NM_001042399.2, NM_001346457.2, NM_001346460.2 and 3 more transcripts); c.332G>A, p.Arg111Gln (NM_001346458.2, NM_001346459.2, NM_001346462.2 and 2 more transcripts); c.419G>A, p.Arg140Gln (NM_001368041.1); c.107G>A, p.Arg36Gln (NM_001368042.1); short protein forms R36Q, R111Q, R215Q, R140Q.
Identifiers: ClinVar variation 1379997 (VCV001379997.5), dbSNP rs1482040800, ClinGen allele CA386146934.